The following is an entry in ClinVar:

NM_001232.4(CASQ2):c.661A>G (p.Met221Val)

Gene: CASQ2 (calsequestrin 2; minus strand). Cytogenetic location: 1p13.1.
Variant type: single nucleotide variant.
Coding change: c.661A>G on transcript NM_001232.4 (MANE Select); coding-DNA position 661, A replaced by G.
Protein change: p.Met221Val; replaces methionine 221 with valine.
Molecular consequence: missense variant.
Genome position (GRCh38, 1-based): chr1:115,727,068, T>C on the plus strand (A>G on the coding strand, the complement: CASQ2 is on the minus strand). VCF-style: chr1-115727068-T-C. GRCh37 (hg19) VCF-style: chr1-116269689-T-C.
Other names: short protein forms M221V.
Identifiers: ClinVar variation 4767415 (VCV004767415.1).

ClinVar aggregate classification (germline): Uncertain significance (1 of 4 stars; one submission).

Conditions:
Catecholaminergic polymorphic ventricular tachycardia 1. Also called: RYR2-Related Catecholaminergic Polymorphic Ventricular Tachycardia; VENTRICULAR TACHYCARDIA, STRESS-INDUCED POLYMORPHIC 1; VENTRICULAR TACHYCARDIA, CATECHOLAMINERGIC POLYMORPHIC, 1, WITH OR WITHOUT ATRIAL DYSFUNCTION AND/OR DILATED CARDIOMYOPATHY. Identifiers: Orphanet 3286, MedGen C1631597, MONDO:0011484, OMIM 604772.

Submission:

Labcorp Genetics (formerly Invitae), Labcorp
Classification: Uncertain significance for Catecholaminergic polymorphic ventricular tachycardia 1. Last evaluated: 2025-08-20. Review status: criteria provided, single submitter. Criteria: Invitae Variant Classification Sherloc (09022015). Collection method: clinical testing. Allele origin: germline.
Comment: This sequence change replaces methionine, which is neutral and non-polar, with valine, which is neutral and non-polar, at codon 221 of the CASQ2 protein (p.Met221Val). This variant is not present in population databases (gnomAD no frequency). This variant has not been reported in the literature in individuals affected with CASQ2-related conditions. Invitae Evidence Modeling of protein sequence and biophysical properties (such as structural, functional, and spatial information, amino acid conservation, physicochemical variation, residue mobility, and thermodynamic stability) has been performed for this missense variant. However, the output from this modeling did not meet the statistical confidence thresholds required to predict the impact of this variant on CASQ2 protein function. In summary, the available evidence is currently insufficient to determine the role of this variant in disease. Therefore, it has been classified as a Variant of Uncertain Significance.